The following is an entry in ClinVar:

ClinVar aggregate classification (germline): Likely benign. Review status: criteria provided, single submitter (1 of 4 stars). 2 submissions from 2 submitters: Likely benign (1). 1 of the submissions does not count toward it. Last evaluated 2025-05-18.

Conditions:
GPI-related disorder. Also called: GPI-related condition.

Allele frequency attached by ClinVar (database versions not stated): ExAC 0.00001; ESP Exome Variant Server 0.00015; gnomAD 0.00017; TOPMed 0.00018.
gnomAD v4.1: 41 of 1,591,296 alleles (0.0026%); highest among the groups gnomAD compares: African/African-American, 0.054%; no homozygotes.

Submissions (2):

Labcorp Genetics (formerly Invitae), Labcorp
Classification: Likely benign. Last evaluated: 2025-05-18. Review status: criteria provided, single submitter. Criteria: Invitae Variant Classification Sherloc (09022015). Collection method: clinical testing. Allele origin: germline.

PreventionGenetics, part of Exact Sciences
Classification: Likely benign for GPI-related condition. Last evaluated: 2019-07-10. Review status: no assertion criteria provided. Collection method: clinical testing. Allele origin: germline. Not counted in ClinVar's aggregate classification.
Comment: This variant is classified as likely benign based on ACMG/AMP sequence variant interpretation guidelines (Richards et al. 2015 PMID: 25741868, with internal and published modifications).

NM_000175.5(GPI):c.87C>T (p.Leu29=)

Gene: GPI (glucose-6-phosphate isomerase; plus strand). Cytogenetic location: 19q13.11.
Variant type: single nucleotide variant.
Coding change: c.87C>T on transcript NM_000175.5 (MANE Select); coding-DNA position 87, C replaced by T.
Protein change: p.Leu29=; no amino-acid change (leucine 29 retained).
Molecular consequence: synonymous variant.
Genome position (GRCh38, 1-based): chr19:34,365,353, C>T. VCF-style: chr19-34365353-C-T. GRCh37 (hg19) VCF-style: chr19-34856258-C-T.
Other names: c.204C>T, p.Leu68= (NM_001184722.1, NM_001289789.1); c.87C>T, p.Leu29= (NM_001289790.3, NM_001329909.1, NM_001329910.1 and 1 more transcripts).
Identifiers: ClinVar variation 3050104 (VCV003050104.3), dbSNP rs148025432, ClinGen allele CA9366783.